The following is an entry in ClinVar:

NM_020751.3(COG6):c.369+4T>C

Gene: COG6 (component of oligomeric golgi complex 6; plus strand). Cytogenetic location: 13q14.11.
Variant type: single nucleotide variant.
Coding change: c.369+4T>C on transcript NM_020751.3 (MANE Select); 4 bases into the intron after coding-DNA position 369, T replaced by C.
Molecular consequence: intron variant.
Genome position (GRCh38, 1-based): chr13:39,660,885, T>C. VCF-style: chr13-39660885-T-C. GRCh37 (hg19) VCF-style: chr13-40235022-T-C.
Other names: c.369+4T>C (NM_001145079.2).
Identifiers: ClinVar variation 883815 (VCV000883815.6), dbSNP rs963188886, ClinGen allele CA248351250.

ClinVar aggregate classification (germline): Uncertain significance. Review status: criteria provided, single submitter (1 of 4 stars). 2 submissions from 2 submitters: Uncertain significance (1). 1 of the submissions does not count toward it. Last evaluated 2018-01-13.

Conditions:
COG6-related disorder.
COG6-congenital disorder of glycosylation. Also called: CONGENITAL DISORDER OF GLYCOSYLATION, TYPE IIl; CDG IIl; COG6-ongenital disorder of glycosylation; COG6-CGD. Identifiers: Orphanet 464443, MedGen C3553230, MONDO:0013810, OMIM 614576.

Allele frequency attached by ClinVar (database versions not stated): gnomAD exomes 0.00001 and 0.00002; gnomAD 0.00003 and 0.00004; TOPMed 0.00003.
gnomAD v4.1: 18 of 1,558,856 alleles (0.0012%); highest among the groups gnomAD compares: Non-Finnish European, 0.0015%; no homozygotes.

Submissions (2):

Illumina Laboratory Services, Illumina
Classification: Uncertain significance for COG6-congenital disorder of glycosylation. Last evaluated: 2018-01-13. Review status: criteria provided, single submitter. Criteria: ICSL Variant Classification Criteria 13 December 2019. Collection method: clinical testing. Allele origin: germline.

PreventionGenetics, part of Exact Sciences
Classification: Likely benign for COG6-related condition. Last evaluated: 2023-05-02. Review status: no assertion criteria provided. Collection method: clinical testing. Allele origin: germline. Not counted in ClinVar's aggregate classification.
Comment: This variant is classified as likely benign based on ACMG/AMP sequence variant interpretation guidelines (Richards et al. 2015 PMID: 25741868, with internal and published modifications).